The following is an entry in ClinVar:

NM_006231.4(POLE):c.720+1G>A

Gene: POLE (DNA polymerase epsilon, catalytic subunit; minus strand). Cytogenetic location: 12q24.33.
Variant type: single nucleotide variant.
Coding change: c.720+1G>A on transcript NM_006231.4 (MANE Select); the canonical splice donor site of the intron after coding-DNA position 720, G replaced by A.
Molecular consequence: splice donor variant.
Genome position (GRCh38, 1-based): chr12:132,677,577, C>T on the plus strand (G>A on the coding strand, the complement: POLE is on the minus strand). VCF-style: chr12-132677577-C-T. GRCh37 (hg19) VCF-style: chr12-133254163-C-T.
Other names: c.720+1G>A (NM_006231.2).
Identifiers: ClinVar variation 405681 (VCV000405681.18), dbSNP rs1060500808, ClinGen allele CA16614044.

ClinVar aggregate classification (germline): Conflicting classifications of pathogenicity. Review status: criteria provided, conflicting classifications (1 of 4 stars). 2 submissions from 2 submitters: Likely pathogenic (1); Uncertain significance (1). Last evaluated 2026-07-13.

Conditions:
Familial colorectal cancer. Identifiers: MedGen CN280943, MONDO:0023113. Disease mechanism: loss of function.
Facial dysmorphism-immunodeficiency-livedo-short stature syndrome. Also called: Facial dysmorphism, immunodeficiency, livedo, and short stature; FILS syndrome. Identifiers: Orphanet 352712, MedGen C3554576, MONDO:0014058, OMIM 615139.
Hereditary cancer-predisposing syndrome. Also called: Neoplastic Syndromes, Hereditary; Hereditary Cancer Syndrome; Tumor predisposition; Hereditary neoplastic syndrome. Identifiers: Orphanet 140162, MedGen C0027672, MeSH D009386, MONDO:0015356.

Submissions (2):

Ambry Genetics
Classification: Uncertain significance for Hereditary cancer-predisposing syndrome. Last evaluated: 2026-07-13. Review status: criteria provided, single submitter. Criteria: Ambry Variant Classification Scheme 2023. Collection method: clinical testing. Allele origin: germline.
Comment: The c.720+1G>A intronic variant results from a G to A substitution one nucleotide after coding exon 7 of the POLE gene. This nucleotide position is highly conserved in available vertebrate species. In silico splice site analysis predicts that this alteration will weaken the native splice donor site. Alterations that disrupt the canonical splice site are expected to cause aberrant splicing, resulting in an abnormal protein or a transcript that is subject to nonsense-mediated mRNA decay. Although biallelic loss of function of POLE has been associated with autosomal recessive POLE deficiency, haploinsufficiency of POLE has not been established as a mechanism of disease for POLE-related polymerase proofreading-associated polyposis (PPAP) and POLE-related CMMRD-like syndrome. Based on the supporting evidence, this variant is expected to be causative of POLE deficiency when present along with a second pathogenic variant on the other allele; however, its clinical significance for PPAP and POLE-related CMMRD-like syndrome is unclear.

Labcorp Genetics (formerly Invitae), Labcorp
Classification: Likely pathogenic. Last evaluated: 2025-12-15. Review status: criteria provided, single submitter. Criteria: Invitae Variant Classification Sherloc (09022015). Collection method: clinical testing. Allele origin: germline.
Comment: This sequence change affects a donor splice site in intron 7 of the POLE gene. It is expected to disrupt RNA splicing. Variants that disrupt the donor or acceptor splice site typically lead to a loss of protein function (PMID: 16199547), and loss-of-function variants in POLE are known to be pathogenic (PMID: 23230001, 25948378, 30503519). This variant is not present in population databases (gnomAD no frequency). This variant has not been reported in the literature in individuals affected with POLE-related conditions. ClinVar contains an entry for this variant (Variation ID: 405681). Algorithms developed to predict the effect of sequence changes on RNA splicing suggest that this variant may disrupt the consensus splice site. In summary, the currently available evidence indicates that the variant is pathogenic, but additional data are needed to prove that conclusively. Therefore, this variant has been classified as Likely Pathogenic.

Literature cited by the submitters: PubMed 16199547 (cited by Labcorp Genetics (formerly Invitae), Labcorp); PubMed 23230001 (cited by Labcorp Genetics (formerly Invitae), Labcorp); PubMed 25948378 (cited by Labcorp Genetics (formerly Invitae), Labcorp); PubMed 30503519 (cited by Labcorp Genetics (formerly Invitae), Labcorp).